The following is an entry in ClinVar:

ClinVar aggregate classification (germline): Likely benign (1 of 4 stars; one submission).

Allele frequency attached by ClinVar (database versions not stated): ExAC 0.00005; gnomAD exomes 0.00007; TOPMed 0.00007; ESP Exome Variant Server 0.00010.

Submission:

CeGaT Center for Human Genetics Tuebingen
Classification: Likely benign. Last evaluated: 2022-11-01. Review status: criteria provided, single submitter. Criteria: CeGaT Center For Human Genetics Tuebingen Variant Classification Criteria Version 2. Collection method: clinical testing. Allele origin: germline. Affected: yes. Observed: 1 variant allele.
Comment: TREX2: BS2

NM_080701.4(TREX2):c.556G>A (p.Ala186Thr)

Gene: TREX2 (three prime repair exonuclease 2; minus strand). Cytogenetic location: Xq28.
Variant type: single nucleotide variant.
Coding change: c.556G>A on transcript NM_080701.4 (MANE Select); coding-DNA position 556, G replaced by A.
Protein change: p.Ala186Thr; replaces alanine 186 with threonine.
Molecular consequence: missense variant.
Genome position (GRCh38, 1-based): chrX:153,444,875, C>T on the plus strand (G>A on the coding strand, the complement: TREX2 is on the minus strand). VCF-style: chrX-153444875-C-T. GRCh37 (hg19) VCF-style: chrX-152710333-C-T.
Other names: c.556G>A, p.Ala186Thr (NM_007205.3); short protein forms A186T.
Identifiers: ClinVar variation 2661686 (VCV002661686.24), dbSNP rs368227305, ClinGen allele CA10546508.